The following is an entry in ClinVar:

NM_001830.4(CLCN4):c.1500C>T (p.Phe500=)

Gene: CLCN4 (Cl-/H+ antiporter 4; plus strand). Cytogenetic location: Xp22.2.
Variant type: single nucleotide variant.
Coding change: c.1500C>T on transcript NM_001830.4 (MANE Select); coding-DNA position 1500, C replaced by T.
Protein change: p.Phe500=; no amino-acid change (phenylalanine 500 retained).
Molecular consequence: synonymous variant.
Genome position (GRCh38, 1-based): chrX:10,212,577, C>T. VCF-style: chrX-10212577-C-T. GRCh37 (hg19) VCF-style: chrX-10180617-C-T.
Other names: c.1218C>T, p.Phe406= (NM_001256944.2).
Identifiers: ClinVar variation 2177196 (VCV002177196.10), dbSNP rs756536616, ClinGen allele CA10347242.
Genomic context (GRCh38, chrX:10,212,577, plus strand): 5'-CAGGATGGTGGGAATTGGCGTGGAGCAGCTGGCCTACCATCACCATGACTGGATCATCTT[C>T]AGGAACTGGTGCAGACCCGGTGCAGACTGTGTCACGCCAGGGCTGTACGCAATGGTGGGA-3'
Protein context (NP_001821.2, residues 490-510): LAYHHHDWII[Phe500=]RNWCRPGADC

ClinVar aggregate classification (germline): Likely benign. Review status: criteria provided, multiple submitters, no conflicts (2 of 4 stars). 2 submissions from 2 submitters: Likely benign (2). Last evaluated 2025-11-01.

Allele frequency attached by ClinVar (database versions not stated): gnomAD exomes 0.00001; ExAC 0.00002; gnomAD 0.00002; TOPMed 0.00002.
gnomAD v4.1: 10 of 1,209,932 alleles (0.00083%); highest among the groups gnomAD compares: African/African-American, 0.011%; no homozygotes.

Submissions (2):

CeGaT Center for Human Genetics Tuebingen
Classification: Likely benign. Last evaluated: 2025-11-01. Review status: criteria provided, single submitter. Criteria: CeGaT Center For Human Genetics Tuebingen Variant Classification Criteria Version 2. Collection method: clinical testing. Allele origin: germline. Affected: yes. Observed: 1 variant allele.
Comment: CLCN4: BP4

Labcorp Genetics (formerly Invitae), Labcorp
Classification: Likely benign. Last evaluated: 2024-10-15. Review status: criteria provided, single submitter. Criteria: Invitae Variant Classification Sherloc (09022015). Collection method: clinical testing. Allele origin: germline.